The following is an entry in ClinVar:

NM_001103.4(ACTN2):c.718_727del (p.Pro240fs)

Gene: ACTN2 (actinin alpha 2; plus strand). Cytogenetic location: 1q43.
Variant type: Deletion.
Coding change: c.718_727del on transcript NM_001103.4 (MANE Select); coding-DNA positions 718 to 727, 10 bases deleted (CCCGATGAAA; older notation c.718_727delCCCGATGAAA).
Protein change: p.Pro240fs; shifts the reading frame from proline 240.
Molecular consequence: frameshift variant. On other transcripts: 5 prime UTR variant (1), intron variant (1).
Genome position (GRCh38, 1-based): chr1:236,735,655-236,735,664, CCCGATGAAA deleted; deleting any 10 consecutive bases within chr1:236,735,652-236,735,664 gives the same sequence; the c. name uses the placement nearest the transcript's 3' end. VCF-style (leftmost placement, unchanged base first): chr1-236735651-TAAACCCGATG-T. GRCh37 (hg19) VCF-style: chr1-236898951-TAAACCCGATG-T.
Other names: c.-18_-9del (NM_001278344.2); c.783+1137_783+1146del (NM_001278343.2); short protein forms P240fs.
Identifiers: ClinVar variation 1485887 (VCV001485887.8), dbSNP rs2102916959, ClinGen allele CA2573132806.

ClinVar aggregate classification (germline): Uncertain significance. Review status: criteria provided, multiple submitters, no conflicts (2 of 4 stars). 2 submissions from 2 submitters: Uncertain significance (2). Last evaluated 2024-07-15.

Conditions:
Primary familial hypertrophic cardiomyopathy (HCM). Identifiers: Orphanet 99739, MedGen C0949658, MeSH D024741, MONDO:0024573. Inheritance: Various modes of inheritance.
Dilated cardiomyopathy 1AA (CMD1AA). Also called: Cardiomyopathy, dilated, 1AA, with or without LVNC; CARDIOMYOPATHY, FAMILIAL HYPERTROPHIC, 23, WITH OR WITHOUT LEFT VENTRICULAR NONCOMPACTION; CARDIOMYOPATHY, DILATED, 1AA, WITH OR WITHOUT LEFT VENTRICULAR NONCOMPACTION. Identifiers: Orphanet 154, MedGen C2677338, MONDO:0012808, OMIM 612158.

Submissions (2):

3billion
Classification: Uncertain significance for Dilated cardiomyopathy 1AA. Last evaluated: 2024-07-15. Review status: criteria provided, single submitter. Criteria: ACMG Guidelines, 2015. Collection method: clinical testing. Allele origin: unknown. Affected: yes.
Comment: The variant is not observed in the gnomAD v2.1.1 dataset. The contribution of loss of function variants in ACTN2 to Cardiomyopathy hypertrophic is incompletely understood at this time (ClinVar ID: VCV001485887). Therefore, this variant is classified as VUS according to the recommendation of ACMG/AMP guideline.

Labcorp Genetics (formerly Invitae), Labcorp
Classification: Uncertain significance for Primary familial hypertrophic cardiomyopathy; Dilated cardiomyopathy 1AA. Last evaluated: 2021-09-01. Review status: criteria provided, single submitter. Criteria: Invitae Variant Classification Sherloc (09022015). Collection method: clinical testing. Allele origin: germline.
Comment: This sequence change creates a premature translational stop signal (p.Pro240Glufs*4) in the ACTN2 gene. It is expected to result in an absent or disrupted protein product. However, the current clinical and genetic evidence is not sufficient to establish whether loss-of-function variants in ACTN2 cause disease. In summary, the available evidence is currently insufficient to determine the role of this variant in disease. Therefore, it has been classified as a Variant of Uncertain Significance. This variant has not been reported in the literature in individuals with ACTN2-related conditions. This variant is not present in population databases (ExAC no frequency).